The following is an entry in ClinVar:

ClinVar aggregate classification (germline): Uncertain significance. Review status: criteria provided, multiple submitters, no conflicts (2 of 4 stars). 2 submissions from 2 submitters: Uncertain significance (2). Last evaluated 2023-02-13.

Conditions:
Charcot-Marie-Tooth disease axonal type 2P. Also called: CHARCOT-MARIE-TOOTH NEUROPATHY, TYPE 2P; CHARCOT-MARIE-TOOTH DISEASE, AXONAL, TYPE 2G; CMT 2G; Charcot-Marie-Tooth Neuropathy Type 2G. Identifiers: Orphanet 300319, Orphanet 99941, MedGen C3280797, MONDO:0013753, OMIM 614436.

Submissions (2):

Blueprint Genetics
Classification: Uncertain significance. Last evaluated: 2023-02-13. Review status: criteria provided, single submitter. Criteria: ACMG Guidelines, 2015. Collection method: clinical testing. Allele origin: germline.

Kariminejad - Najmabadi Pathology & Genetics Center
Classification: Uncertain significance for Charcot-Marie-Tooth disease axonal type 2P. Last evaluated: 2022-10-22. Review status: criteria provided, single submitter. Criteria: ACMG Guidelines, 2015. Collection method: clinical testing. Allele origin: germline. Inheritance: Autosomal dominant inheritance. Affected: yes.
Comment: PM2

NM_001005373.4(LRSAM1):c.1118C>A (p.Thr373Asn)

Gene: LRSAM1 (leucine rich repeat and sterile alpha motif containing 1; plus strand). Cytogenetic location: 9q33.3.
Variant type: single nucleotide variant.
Coding change: c.1118C>A on transcript NM_001005373.4 (MANE Select); coding-DNA position 1118, C replaced by A.
Protein change: p.Thr373Asn; replaces threonine 373 with asparagine.
Molecular consequence: missense variant. On other transcripts: non-coding transcript variant (2).
Genome position (GRCh38, 1-based): chr9:127,482,979, C>A. VCF-style: chr9-127482979-C-A. GRCh37 (hg19) VCF-style: chr9-130245258-C-A.
Other names: c.1118C>A, p.Thr373Asn (NM_001005374.4, NM_001190723.3, NM_001384142.1 and 2 more transcripts); c.329C>A, p.Thr110Asn (NM_001384144.1); short protein forms T110N, T373N.
Identifiers: ClinVar variation 3896906 (VCV003896906.2).